The following is an entry in ClinVar:

ClinVar aggregate classification (germline): Benign/Likely benign. Review status: criteria provided, multiple submitters, no conflicts (2 of 4 stars). 3 submissions from 3 submitters: Benign (1); Likely benign (1). 1 of the submissions does not count toward it. Last evaluated 2026-01-19.

Conditions:
TTC7A-related disorder. Also called: TTC7A-related condition.
Multiple gastrointestinal atresias. Also called: FAMILIAL INTESTINAL POLYATRESIA SYNDROME; Multiple intestinal atresia. Identifiers: Orphanet 2300, MedGen C0220744, MONDO:0009465.

Allele frequency attached by ClinVar (database versions not stated): TOPMed 0.00001; gnomAD 0.00002 and 0.00013; gnomAD exomes 0.00018 and 0.00035; ExAC 0.00040; 1000 Genomes Project 30x 0.00109; 1000 Genomes Project 0.00120.
gnomAD v4.1: 278 of 1,613,954 alleles (0.017%); highest among the groups gnomAD compares: South Asian, 0.29%; 6 homozygotes.

Submissions (3):

Labcorp Genetics (formerly Invitae), Labcorp
Classification: Benign for Multiple gastrointestinal atresias. Last evaluated: 2026-01-19. Review status: criteria provided, single submitter. Criteria: Invitae Variant Classification Sherloc (09022015). Collection method: clinical testing. Allele origin: germline.

Blueprint Genetics
Classification: Likely benign. Last evaluated: 2024-11-11. Review status: criteria provided, single submitter. Criteria: ACMG Guidelines, 2015. Collection method: clinical testing. Allele origin: germline.

PreventionGenetics, part of Exact Sciences
Classification: Likely benign for TTC7A-related condition. Last evaluated: 2020-01-07. Review status: no assertion criteria provided. Collection method: clinical testing. Allele origin: germline. Not counted in ClinVar's aggregate classification.
Comment: This variant is classified as likely benign based on ACMG/AMP sequence variant interpretation guidelines (Richards et al. 2015 PMID: 25741868, with internal and published modifications).

NM_020458.4(TTC7A):c.570A>G (p.Thr190=)

Genes: TTC7A (tetratricopeptide repeat domain 7A; plus strand), LOC126806211 (CDK7 strongly-dependent group 2 enhancer GRCh37_chr2:47201305-47202504; plus strand). Cytogenetic location: 2p21.
Variant type: single nucleotide variant.
Coding change: c.570A>G on transcript NM_020458.4 (MANE Select); coding-DNA position 570, A replaced by G.
Protein change: p.Thr190=; no amino-acid change (threonine 190 retained).
Molecular consequence: synonymous variant. On other transcripts: 5 prime UTR variant (1).
Genome position (GRCh38, 1-based): chr2:46,975,025, A>G. VCF-style: chr2-46975025-A-G. GRCh37 (hg19) VCF-style: chr2-47202164-A-G.
Other names: c.570A>G, p.Thr190= (NM_001288951.2); c.468A>G, p.Thr156= (NM_001288953.2); c.-335A>G (NM_001288955.2).
Identifiers: ClinVar variation 719425 (VCV000719425.14), dbSNP rs565292434, ClinGen allele CA1647260.
Genomic context (GRCh38, chr2:46,975,025, plus strand): 5'-TCCCGCAGGCCTCTCTCTGGAACGCCTACCCAACTCCATCGCCTCCCGCTTCCGCCTGAC[A>G]GAGAGGGAGGAGGAAGTGATCACCTGTTTTGAGAGGGCCTCCTGGATCGCTCAGGTGTTC-3'
Protein context (NP_065191.2, residues 180-200): PNSIASRFRL[Thr190=]EREEEVITCF